The following is an entry in ClinVar:

NM_001031689.3(PLAA):c.308T>C (p.Met103Thr)

Gene: PLAA (phospholipase A2 activating protein; minus strand). Cytogenetic location: 9p21.2.
Variant type: single nucleotide variant.
Coding change: c.308T>C on transcript NM_001031689.3 (MANE Select); coding-DNA position 308, T replaced by C.
Protein change: p.Met103Thr; replaces methionine 103 with threonine.
Molecular consequence: missense variant.
Genome position (GRCh38, 1-based): chr9:26,935,048, A>G on the plus strand (T>C on the coding strand, the complement: PLAA is on the minus strand). VCF-style: chr9-26935048-A-G. GRCh37 (hg19) VCF-style: chr9-26935046-A-G.
Other names: c.308T>C, p.Met103Thr (NM_001321546.2); short protein forms M103T.
Identifiers: ClinVar variation 1445416 (VCV001445416.5), dbSNP rs199968569, ClinGen allele CA5014684.

ClinVar aggregate classification (germline): Uncertain significance (1 of 4 stars; one submission).

Allele frequency attached by ClinVar (database versions not stated): ESP Exome Variant Server 0.00008; gnomAD exomes 0.00009 and 0.00012; TOPMed 0.00012; ExAC 0.00013; gnomAD 0.00013 and 0.00014.

Submission:

Labcorp Genetics (formerly Invitae), Labcorp
Classification: Uncertain significance. Last evaluated: 2021-08-27. Review status: criteria provided, single submitter. Criteria: Invitae Variant Classification Sherloc (09022015). Collection method: clinical testing. Allele origin: germline.
Comment: This sequence change replaces methionine with threonine at codon 103 of the PLAA protein (p.Met103Thr). The methionine residue is weakly conserved and there is a moderate physicochemical difference between methionine and threonine. This variant is present in population databases (rs199968569, ExAC 0.02%). This variant has not been reported in the literature in individuals affected with PLAA-related conditions. Algorithms developed to predict the effect of missense changes on protein structure and function (SIFT, PolyPhen-2, Align-GVGD) all suggest that this variant is likely to be tolerated. In summary, the available evidence is currently insufficient to determine the role of this variant in disease. Therefore, it has been classified as a Variant of Uncertain Significance.